The following is an entry in ClinVar:

NM_004360.5(CDH1):c.1817A>T (p.Asn606Ile)

Gene: CDH1 (cadherin 1; plus strand). Cytogenetic location: 16q22.1.
Variant type: single nucleotide variant.
Coding change: c.1817A>T on transcript NM_004360.5 (MANE Select); coding-DNA position 1817, A replaced by T.
Protein change: p.Asn606Ile; replaces asparagine 606 with isoleucine.
Molecular consequence: missense variant. On other transcripts: 5 prime UTR variant (1).
Genome position (GRCh38, 1-based): chr16:68,822,106, A>T. VCF-style: chr16-68822106-A-T. GRCh37 (hg19) VCF-style: chr16-68856009-A-T.
Other names: c.1634A>T, p.Asn545Ile (NM_001317184.2); c.269A>T, p.Asn90Ile (NM_001317185.2); c.-149A>T (NM_001317186.2); short protein forms N606I, N90I, N545I.
Identifiers: ClinVar variation 1780686 (VCV001780686.3), dbSNP rs1961162483, ClinGen allele CA396466819.
Genomic context (GRCh38, chr16:68,822,106, plus strand): 5'-CTGATGTGAATGACAACGCCCCCATACCAGAACCTCGAACTATATTCTTCTGTGAGAGGA[A>T]TCCAAAGCCTCAGGTCATAAACATCATTGATGCAGACCTTCCTCCCAATACATCTCCCTT-3'
Protein context (NP_004351.1, residues 596-616): EPRTIFFCER[Asn606Ile]PKPQVINIID

ClinVar aggregate classification (germline): Uncertain significance (1 of 4 stars; one submission).

Conditions:
Hereditary cancer-predisposing syndrome. Also called: Hereditary Cancer Syndrome; Hereditary neoplastic syndrome; Neoplastic Syndromes, Hereditary; Tumor predisposition. Identifiers: Orphanet 140162, MedGen C0027672, MeSH D009386, MONDO:0015356.

Submission:

Ambry Genetics
Classification: Uncertain significance for Hereditary cancer-predisposing syndrome. Last evaluated: 2026-06-18. Review status: criteria provided, single submitter. Criteria: Ambry Variant Classification Scheme 2023. Collection method: clinical testing. Allele origin: germline.
Comment: The p.N606I variant (also known as c.1817A>T), located in coding exon 12 of the CDH1 gene, results from an A to T substitution at nucleotide position 1817. The asparagine at codon 606 is replaced by isoleucine, an amino acid with dissimilar properties. This amino acid position is poorly conserved in available vertebrate species. In addition, this alteration is predicted to be tolerated by in silico analysis. Based on the available evidence, the clinical significance of this variant remains unclear.